The following is an entry in ClinVar:

NM_000260.4(MYO7A):c.*3A>T

Gene: MYO7A (myosin VIIA; plus strand). Cytogenetic location: 11q13.5.
Variant type: single nucleotide variant.
Coding change: c.*3A>T on transcript NM_000260.4 (MANE Select); 3 bases downstream of the stop codon, A replaced by T.
Molecular consequence: 3 prime UTR variant.
Genome position (GRCh38, 1-based): chr11:77,214,699, A>T. VCF-style: chr11-77214699-A-T. GRCh37 (hg19) VCF-style: chr11-76925744-A-T.
Other names: c.*3A>T (NM_001127180.2, NM_001369365.1).
Identifiers: ClinVar variation 4848080 (VCV004848080.1).

ClinVar aggregate classification (germline): Uncertain significance (1 of 4 stars; one submission).

gnomAD v4.1: 4 of 1,563,628 alleles (0.00026%); highest among the groups gnomAD compares: Non-Finnish European, 0.00035%; no homozygotes.

Submission:

Women's Health and Genetics/Laboratory Corporation of America, LabCorp
Classification: Uncertain significance. Last evaluated: 2026-02-03. Review status: criteria provided, single submitter. Criteria: LabCorp Variant Classification Summary - May 2015. Collection method: clinical testing. Allele origin: germline.
Comment: Variant summary: MYO7A c.*3A>T is located in the untranslated mRNA region downstream of the termination codon. The variant was absent in 180324 control chromosomes. The available data on variant occurrences in the general population are insufficient to allow any conclusion about variant significance. To our knowledge, no occurrence of c.*3A>T in individuals affected with MYO7A-related conditions and no experimental evidence demonstrating its impact on protein function have been reported. No submitters have cited clinical-significance assessments for this variant to ClinVar. Based on the evidence outlined above, the variant was classified as uncertain significance.